The following is an entry in ClinVar:

ClinVar aggregate classification (germline): Uncertain significance (1 of 4 stars; one submission).

Allele frequency attached by ClinVar (database versions not stated): gnomAD exomes below 0.00001 and 0.00001; ExAC 0.00002.
gnomAD v4.1: 6 of 1,613,834 alleles (0.00037%); highest among the groups gnomAD compares: Non-Finnish European, 0.00051%; no homozygotes.

Submission:

Labcorp Genetics (formerly Invitae), Labcorp
Classification: Uncertain significance. Last evaluated: 2022-11-22. Review status: criteria provided, single submitter. Criteria: Invitae Variant Classification Sherloc (09022015). Collection method: clinical testing. Allele origin: germline.
Comment: ClinVar contains an entry for this variant (Variation ID: 1355998). In summary, the available evidence is currently insufficient to determine the role of this variant in disease. Therefore, it has been classified as a Variant of Uncertain Significance. Advanced modeling of protein sequence and biophysical properties (such as structural, functional, and spatial information, amino acid conservation, physicochemical variation, residue mobility, and thermodynamic stability) performed at Invitae indicates that this missense variant is not expected to disrupt GUCY2C protein function. This variant has not been reported in the literature in individuals affected with GUCY2C-related conditions. This variant is present in population databases (rs558738501, gnomAD 0.002%). This sequence change replaces lysine, which is basic and polar, with glutamine, which is neutral and polar, at codon 677 of the GUCY2C protein (p.Lys677Gln).

NM_004963.4(GUCY2C):c.2029A>C (p.Lys677Gln)

Gene: GUCY2C (guanylate cyclase 2C; minus strand). Cytogenetic location: 12p12.3.
Variant type: single nucleotide variant.
Coding change: c.2029A>C on transcript NM_004963.4 (MANE Select); coding-DNA position 2029, A replaced by C.
Protein change: p.Lys677Gln; replaces lysine 677 with glutamine.
Molecular consequence: missense variant.
Genome position (GRCh38, 1-based): chr12:14,641,121, T>G on the plus strand (A>C on the coding strand, the complement: GUCY2C is on the minus strand). VCF-style: chr12-14641121-T-G. GRCh37 (hg19) VCF-style: chr12-14794055-T-G.
Other names: short protein forms K677Q.
Identifiers: ClinVar variation 1355998 (VCV001355998.6), dbSNP rs558738501, ClinGen allele CA6463212.
Genomic context (GRCh38, chr12:14,641,121, plus strand): 5'-CATGAATGGGTTTAGATGTACCATTCCGGTCCCGACAGCTCAAAGTGTAGAAGGTTTCTT[T>G]CCGCAGGATGATCTCCTGTGCGATGATCCCATAGCTGTACACATCTCCTTTCTGAGAGAT-3'
Protein context (NP_004954.2, residues 667-687): GIIAQEIILR[Lys677Gln]ETFYTLSCRD